The following is an entry in ClinVar:

ClinVar aggregate classification (germline): Uncertain significance (1 of 4 stars; one submission).

Allele frequency attached by ClinVar (database versions not stated): gnomAD exomes below 0.00001.
gnomAD v4.1: 1 of 1,614,056 alleles (0.000062%); highest among the groups gnomAD compares: Non-Finnish European, 0.000085%; no homozygotes.

Submission:

GeneDx
Classification: Uncertain significance. Last evaluated: 2022-08-26. Review status: criteria provided, single submitter. Criteria: GeneDx Variant Classification Process June 2021. Collection method: clinical testing. Allele origin: germline. Affected: yes.
Comment: Not observed at significant frequency in large population cohorts (gnomAD); In silico analysis supports that this missense variant does not alter protein structure/function; Has not been previously published as pathogenic or benign to our knowledge

NM_001348323.3(TRIP12):c.4493C>A (p.Pro1498Gln)

Gene: TRIP12 (thyroid hormone receptor interactor 12; minus strand). Cytogenetic location: 2q36.3.
Variant type: single nucleotide variant.
Coding change: c.4493C>A on transcript NM_001348323.3 (MANE Select); coding-DNA position 4493, C replaced by A.
Protein change: p.Pro1498Gln; replaces proline 1498 with glutamine.
Molecular consequence: missense variant.
Genome position (GRCh38, 1-based): chr2:229,791,174, G>T on the plus strand (C>A on the coding strand, the complement: TRIP12 is on the minus strand). VCF-style: chr2-229791174-G-T. GRCh37 (hg19) VCF-style: chr2-230655890-G-T.
Other names: c.4412C>A, p.Pro1471Gln (NM_001284214.2, NM_001348315.2); c.4367C>A, p.Pro1456Gln (NM_001284215.2, NM_001348316.2); c.3458C>A, p.Pro1153Gln (NM_001284216.2); c.4352C>A, p.Pro1451Gln (NM_001348317.1, NM_001348318.2); c.4478C>A, p.Pro1493Gln (NM_001348319.1, NM_001348320.2); c.4481C>A, p.Pro1494Gln (NM_001348321.1); c.4493C>A, p.Pro1498Gln (NM_001348322.1, NM_001348324.2, NM_001348325.2 and 2 more transcripts); c.4496C>A, p.Pro1499Gln (NM_001348328.1, NM_001348329.2, NM_001348330.2); and 4 more; short protein forms P1153Q, P1423Q, P1424Q, P1451Q, P1456Q, P1464Q, P1471Q, P1472Q.
Identifiers: ClinVar variation 2430458 (VCV002430458.1), dbSNP rs2471118395, ClinGen allele CA350897768.
Genomic context (GRCh38, chr2:229,791,174, plus strand): 5'-ACCATCTTACCGTGCCATAACTCATCATGCTTTTTTGCATTTCTAGGGGAAGTTTTCGTT[G>T]GAGCTGTTTGGGCTCTTCCTCTTTTACCACCAACACAATCTTTATTACTTTCTTCATCCT-3'
Protein context (NP_001335252.1, residues 1488-1508): GGKRGRAQTA[Pro1498Gln]TKTSPRNAKK